The following is an entry in ClinVar:

NM_004304.5(ALK):c.2011C>A (p.Pro671Thr)

Gene: ALK (ALK receptor tyrosine kinase; minus strand). Cytogenetic location: 2p23.2.
Variant type: single nucleotide variant.
Coding change: c.2011C>A on transcript NM_004304.5 (MANE Select); coding-DNA position 2011, C replaced by A.
Protein change: p.Pro671Thr; replaces proline 671 with threonine.
Molecular consequence: missense variant.
Genome position (GRCh38, 1-based): chr2:29,275,129, G>T on the plus strand (C>A on the coding strand, the complement: ALK is on the minus strand). VCF-style: chr2-29275129-G-T. GRCh37 (hg19) VCF-style: chr2-29497995-G-T.
Other names: short protein forms P671T.
Identifiers: ClinVar variation 939446 (VCV000939446.9), dbSNP rs145780832, ClinGen allele CA44665418.

ClinVar aggregate classification (germline): Conflicting classifications of pathogenicity. Review status: criteria provided, conflicting classifications (1 of 4 stars). 3 submissions from 3 submitters: Uncertain significance (2); Likely benign (1). Last evaluated 2025-08-15.

Conditions:
Neuroblastoma, susceptibility to, 3. Also called: ALK-Related Neuroblastic Tumor Susceptibility. Identifiers: Orphanet 635, MedGen C2751681, MONDO:0013083, OMIM 613014.
Hereditary cancer-predisposing syndrome. Also called: Tumor predisposition; Hereditary neoplastic syndrome; Neoplastic Syndromes, Hereditary; Hereditary Cancer Syndrome. Identifiers: Orphanet 140162, MedGen C0027672, MeSH D009386, MONDO:0015356.

Allele frequency attached by ClinVar (database versions not stated): TOPMed 0.00001.
gnomAD v4.1: 3 of 1,614,012 alleles (0.00019%); highest among the groups gnomAD compares: Admixed American, 0.005%; no homozygotes.

Submissions (3):

Labcorp Genetics (formerly Invitae), Labcorp
Classification: Uncertain significance for Neuroblastoma, susceptibility to, 3. Last evaluated: 2025-08-15. Review status: criteria provided, single submitter. Criteria: Invitae Variant Classification Sherloc (09022015). Collection method: clinical testing. Allele origin: germline.
Comment: This sequence change replaces proline, which is neutral and non-polar, with threonine, which is neutral and polar, at codon 671 of the ALK protein (p.Pro671Thr). This variant is present in population databases (no rsID available, gnomAD no frequency). This variant has not been reported in the literature in individuals affected with ALK-related conditions. ClinVar contains an entry for this variant (Variation ID: 939446). An algorithm developed to predict the effect of missense changes on protein structure and function (PolyPhen-2) suggests that this variant is likely to be tolerated. In summary, the available evidence is currently insufficient to determine the role of this variant in disease. Therefore, it has been classified as a Variant of Uncertain Significance.

Ambry Genetics
Classification: Likely benign for Hereditary cancer-predisposing syndrome. Last evaluated: 2025-02-10. Review status: criteria provided, single submitter. Criteria: Ambry Variant Classification Scheme 2023. Collection method: clinical testing. Allele origin: germline.

Fulgent Genetics
Classification: Uncertain significance for Neuroblastoma, susceptibility to, 3. Last evaluated: 2024-05-30. Review status: criteria provided, single submitter. Criteria: ACMG Guidelines, 2015. Collection method: clinical testing. Allele origin: germline.